The following is an entry in ClinVar:

ClinVar aggregate classification (germline): Benign/Likely benign. Review status: criteria provided, multiple submitters, no conflicts (2 of 4 stars). 3 submissions from 3 submitters: Benign (1); Likely benign (2). Last evaluated 2026-03-01.

Allele frequency attached by ClinVar (database versions not stated): 1000 Genomes Project 30x 0.00016; 1000 Genomes Project 0.00020; gnomAD 0.00033; TOPMed 0.00084.
gnomAD v4.1: 538 of 1,614,138 alleles (0.033%); highest among the groups gnomAD compares: Admixed American, 0.88%; 3 homozygotes.

Submissions (3):

CeGaT Center for Human Genetics Tuebingen
Classification: Likely benign. Last evaluated: 2026-03-01. Review status: criteria provided, single submitter. Criteria: CeGaT Center For Human Genetics Tuebingen Variant Classification Criteria Version 2. Collection method: clinical testing. Allele origin: germline. Affected: yes. Observed: 1 variant allele.
Comment: ARPC1B: BS2

Labcorp Genetics (formerly Invitae), Labcorp
Classification: Benign. Last evaluated: 2026-02-02. Review status: criteria provided, single submitter. Criteria: Invitae Variant Classification Sherloc (09022015). Collection method: clinical testing. Allele origin: germline.

Blueprint Genetics
Classification: Likely benign. Last evaluated: 2024-11-26. Review status: criteria provided, single submitter. Criteria: ACMG Guidelines, 2015. Collection method: clinical testing. Allele origin: germline.

NM_005720.4(ARPC1B):c.98A>G (p.His33Arg)

Gene: ARPC1B (actin related protein 2/3 complex subunit 1B; plus strand). Cytogenetic location: 7q22.1.
Variant type: single nucleotide variant.
Coding change: c.98A>G on transcript NM_005720.4 (MANE Select); coding-DNA position 98, A replaced by G.
Protein change: p.His33Arg; replaces histidine 33 with arginine.
Molecular consequence: missense variant.
Genome position (GRCh38, 1-based): chr7:99,386,718, A>G. VCF-style: chr7-99386718-A-G. GRCh37 (hg19) VCF-style: chr7-98984341-A-G.
Other names: short protein forms H33R.
Identifiers: ClinVar variation 769728 (VCV000769728.14), dbSNP rs200838883, ClinGen allele CA4363898.